The following is an entry in ClinVar:

NM_003072.5(SMARCA4):c.4434A>G (p.Gly1478=)

Gene: SMARCA4 (SWI/SNF related BAF chromatin remodeling complex subunit ATPase 4; plus strand). Cytogenetic location: 19p13.2.
Variant type: single nucleotide variant.
Coding change: c.4434A>G on transcript NM_003072.5 (MANE Select); coding-DNA position 4434, A replaced by G.
Protein change: p.Gly1478=; no amino-acid change (glycine 1478 retained).
Molecular consequence: synonymous variant. On other transcripts: non-coding transcript variant (1).
Genome position (GRCh38, 1-based): chr19:11,058,264, A>G. VCF-style: chr19-11058264-A-G. GRCh37 (hg19) VCF-style: chr19-11168940-A-G.
Other names: c.4434A>G, p.Gly1478= (NM_001128844.3); c.4344A>G, p.Gly1448= (NM_001128845.2); c.4341A>G, p.Gly1447= (NM_001128846.2); c.4335A>G, p.Gly1445= (NM_001128847.4, NM_001374457.1); c.4332A>G, p.Gly1444= (NM_001128848.2); c.4530A>G, p.Gly1510= (NM_001128849.3, NM_001387283.1).
Identifiers: ClinVar variation 415094 (VCV000415094.14), dbSNP rs1060504444, ClinGen allele CA16616192.

ClinVar aggregate classification (germline): Benign/Likely benign. Review status: criteria provided, multiple submitters, no conflicts (2 of 4 stars). 4 submissions from 4 submitters: Benign (1); Likely benign (3). Last evaluated 2026-07-22.

Conditions:
Hereditary cancer-predisposing syndrome. Also called: Hereditary Cancer Syndrome; Hereditary neoplastic syndrome; Neoplastic Syndromes, Hereditary; Tumor predisposition. Identifiers: Orphanet 140162, MedGen C0027672, MeSH D009386, MONDO:0015356.
Rhabdoid tumor predisposition syndrome 2 (RTPS2). Identifiers: Orphanet 231108, Orphanet 69077, MedGen C2750074, MONDO:0013224, OMIM 613325.

Allele frequency attached by ClinVar (database versions not stated): gnomAD 0.00001; TOPMed 0.00002.
gnomAD v4.1: 1 of 1,611,984 alleles (0.000062%); highest among the groups gnomAD compares: African/African-American, 0.0013%; no homozygotes.

Submissions (4):

Myriad Genetics, Inc.
Classification: Benign for Rhabdoid tumor predisposition syndrome 2. Last evaluated: 2026-07-22. Review status: criteria provided, single submitter. Criteria: Myriad Autosomal Dominant, Autosomal Recessive and X-Linked Classification Criteria (2023). Collection method: clinical testing. Allele origin: unknown.
Comment: This variant is considered benign. This variant is a silent/synonymous amino acid change and it is not expected to impact splicing.

Labcorp Genetics (formerly Invitae), Labcorp
Classification: Likely benign for Rhabdoid tumor predisposition syndrome 2. Last evaluated: 2025-05-19. Review status: criteria provided, single submitter. Criteria: Invitae Variant Classification Sherloc (09022015). Collection method: clinical testing. Allele origin: germline.

Ambry Genetics
Classification: Likely benign for Hereditary cancer-predisposing syndrome. Last evaluated: 2023-01-13. Review status: criteria provided, single submitter. Criteria: Ambry Variant Classification Scheme 2023. Collection method: clinical testing. Allele origin: germline.

Sema4
Classification: Likely benign for Hereditary cancer-predisposing syndrome. Last evaluated: 2021-12-13. Review status: criteria provided, single submitter. Criteria: Sema4 Curation Guidelines. Collection method: curation. Allele origin: germline.